The following is an entry in ClinVar:

ClinVar aggregate classification (germline): Pathogenic (1 of 4 stars; one submission).

Conditions:
Odonto-onycho-dermal dysplasia. Identifiers: Orphanet 2721, MedGen C0796093, MONDO:0009773, OMIM 257980.
Tooth agenesis, selective, 4 (STHAG4). Also called: LATERAL INCISORS, ABSENCE OF; LATERAL INCISORS, PEGGED OR MISSING; SUCCEDANEOUS TEETH, AGENESIS OF; TOOTH AGENESIS, SELECTIVE, 4, WITH OR WITHOUT ECTODERMAL DYSPLASIA. Identifiers: Orphanet 99798, MedGen C1835492, MONDO:0007881, OMIM 150400. Disease mechanism: loss of function.

Submission:

Labcorp Genetics (formerly Invitae), Labcorp
Classification: Pathogenic for Tooth agenesis, selective, 4; Odonto-onycho-dermal dysplasia. Last evaluated: 2022-02-08. Review status: criteria provided, single submitter. Criteria: Invitae Variant Classification Sherloc (09022015). Collection method: clinical testing. Allele origin: germline.
Comment: For these reasons, this variant has been classified as Pathogenic. ClinVar contains an entry for this variant (Variation ID: 1070444). This variant has not been reported in the literature in individuals affected with WNT10A-related conditions. This variant is not present in population databases (gnomAD no frequency). This sequence change creates a premature translational stop signal (p.Gln99Asnfs*56) in the WNT10A gene. It is expected to result in an absent or disrupted protein product. Loss-of-function variants in WNT10A are known to be pathogenic (PMID: 17847007, 22581971, 25629078).

Literature cited by the submitters: PubMed 17847007; PubMed 22581971; PubMed 25629078.

NM_025216.3(WNT10A):c.295del (p.Gln99fs)

Gene: WNT10A (Wnt family member 10A; plus strand). Cytogenetic location: 2q35.
Variant type: Deletion.
Coding change: c.295del on transcript NM_025216.3 (MANE Select); coding-DNA position 295, one base deleted (C; older notation c.295delC).
Protein change: p.Gln99fs; shifts the reading frame from glutamine 99.
Molecular consequence: frameshift variant.
Genome position (GRCh38, 1-based): chr2:218,882,342, C deleted; the last of 2 consecutive C bases (chr2:218,882,341-218,882,342); deleting either gives the same sequence. VCF-style (leftmost placement, unchanged base first): chr2-218882340-AC-A. GRCh37 (hg19) VCF-style: chr2-219747062-AC-A.
Other names: short protein forms Q99fs.
Identifiers: ClinVar variation 1070444 (VCV001070444.7), dbSNP rs2106011673, ClinGen allele CA2499215663.
Genomic context (GRCh38, chr2:218,882,340, plus strand): 5'-ACCCTGATGTGGCTGCCTCAGCCATACAGGGCATCCAGATCGCCATCCACGAATGCCAAC[AC>A]CAATTCAGGGACCAGCGCTGGAACTGCTCAAGCCTGGAGACTCGCAACAAGATCCCCTAT-3'